The following is an entry in ClinVar:

ClinVar aggregate classification (germline): Uncertain significance. Review status: criteria provided, multiple submitters, no conflicts (2 of 4 stars). 2 submissions from 2 submitters: Uncertain significance (2). Last evaluated 2025-07-01.

Conditions:
Hypoparathyroidism, familial isolated, 2. Identifiers: MedGen C5394383, MONDO:0020798, OMIM 618883.

Submissions (2):

Labcorp Genetics (formerly Invitae), Labcorp
Classification: Uncertain significance. Last evaluated: 2025-07-01. Review status: criteria provided, single submitter. Criteria: Invitae Variant Classification Sherloc (09022015). Collection method: clinical testing. Allele origin: germline.
Comment: This sequence change replaces cysteine, which is neutral and slightly polar, with tyrosine, which is neutral and polar, at codon 81 of the GCM2 protein (p.Cys81Tyr). This variant is not present in population databases (gnomAD no frequency). This variant has not been reported in the literature in individuals affected with GCM2-related conditions. Invitae Evidence Modeling of protein sequence and biophysical properties (such as structural, functional, and spatial information, amino acid conservation, physicochemical variation, residue mobility, and thermodynamic stability) indicates that this missense variant is expected to disrupt GCM2 protein function with a positive predictive value of 80%. In summary, the available evidence is currently insufficient to determine the role of this variant in disease. Therefore, it has been classified as a Variant of Uncertain Significance.

Illumina Laboratory Services, Illumina
Classification: Uncertain significance for Hypoparathyroidism, familial isolated, 2. Last evaluated: 2023-10-02. Review status: criteria provided, single submitter. Criteria: ISL SNV Classification Criteria 03 February 2026. Collection method: clinical testing. Allele origin: unknown.
Comment: The GCM2 c.242G>A p.(Cys81Tyr) missense variant has not, to our knowledge, been reported in the peer-reviewed literature. This variant is not observed in version 2.1.1 or version 3.1.2 of the Genome Aggregation Database. This variant is located within the highly conserved GCM domain which is required for DNA binding. Assays have demonstrated that the equivalent cysteine residue in the mouse gcm1 ortholog and the drosophila gcm ortholog are critical to the protein's ability to bind DNA and its transactivation activity (PMID: 16697534; 12682016; 9580683; 9799239). Based on the available evidence, the c.242G>A p.(Cys81Tyr) variant is classified as a variant of uncertain significance for familial isolated hypoparathyroidism.

Literature cited by the submitters: PubMed 9799239 (cited by Illumina Laboratory Services, Illumina); PubMed 12682016 (cited by Illumina Laboratory Services, Illumina); PubMed 16697534 (cited by Illumina Laboratory Services, Illumina).

NM_004752.4(GCM2):c.242G>A (p.Cys81Tyr)

Gene: GCM2 (glial cells missing transcription factor 2; minus strand). Cytogenetic location: 6p24.2.
Variant type: single nucleotide variant.
Coding change: c.242G>A on transcript NM_004752.4 (MANE Select); coding-DNA position 242, G replaced by A.
Protein change: p.Cys81Tyr; replaces cysteine 81 with tyrosine.
Molecular consequence: missense variant.
Genome position (GRCh38, 1-based): chr6:10,877,241, C>T on the plus strand (G>A on the coding strand, the complement: GCM2 is on the minus strand). VCF-style: chr6-10877241-C-T. GRCh37 (hg19) VCF-style: chr6-10877474-C-T.
Other names: short protein forms C81Y.
Identifiers: ClinVar variation 4759474 (VCV004759474.2).